The following is an entry in ClinVar:

ClinVar aggregate classification (germline): Uncertain significance (1 of 4 stars; one submission).

Allele frequency attached by ClinVar (database versions not stated): gnomAD exomes below 0.00001.
gnomAD v4.1: 2 of 1,614,234 alleles (0.00012%); highest among the groups gnomAD compares: Admixed American, 0.0017%; no homozygotes.

Submission:

Labcorp Genetics (formerly Invitae), Labcorp
Classification: Uncertain significance. Last evaluated: 2021-09-06. Review status: criteria provided, single submitter. Criteria: Invitae Variant Classification Sherloc (09022015). Collection method: clinical testing. Allele origin: germline.
Comment: This variant is not present in population databases (ExAC no frequency). This variant has not been reported in the literature in individuals affected with VPS13D-related conditions. Algorithms developed to predict the effect of missense changes on protein structure and function are either unavailable or do not agree on the potential impact of this missense change (SIFT: "Not Available"; PolyPhen-2: "Possibly Damaging"; Align-GVGD: "Not Available"). In summary, the available evidence is currently insufficient to determine the role of this variant in disease. Therefore, it has been classified as a Variant of Uncertain Significance. This sequence change replaces phenylalanine with leucine at codon 1799 of the VPS13D protein (p.Phe1799Leu). The phenylalanine residue is moderately conserved and there is a small physicochemical difference between phenylalanine and leucine.

NM_015378.4(VPS13D):c.5395T>C (p.Phe1799Leu)

Gene: VPS13D (vacuolar protein sorting 13 homolog D; plus strand). Cytogenetic location: 1p36.22.
Variant type: single nucleotide variant.
Coding change: c.5395T>C on transcript NM_015378.4 (MANE Select); coding-DNA position 5395, T replaced by C.
Protein change: p.Phe1799Leu; replaces phenylalanine 1799 with leucine.
Molecular consequence: missense variant.
Genome position (GRCh38, 1-based): chr1:12,283,497, T>C. VCF-style: chr1-12283497-T-C. GRCh37 (hg19) VCF-style: chr1-12343554-T-C.
Other names: c.5395T>C, p.Phe1799Leu (NM_018156.4); short protein forms F1799L.
Identifiers: ClinVar variation 1365426 (VCV001365426.6), dbSNP rs1334546615, ClinGen allele CA338483593.